The following is an entry in ClinVar:

NM_001458.5(FLNC):c.3026G>A (p.Arg1009Gln)

Gene: FLNC (filamin C; plus strand). Cytogenetic location: 7q32.1.
Variant type: single nucleotide variant.
Coding change: c.3026G>A on transcript NM_001458.5 (MANE Select); coding-DNA position 3026, G replaced by A.
Protein change: p.Arg1009Gln; replaces arginine 1009 with glutamine.
Molecular consequence: missense variant.
Genome position (GRCh38, 1-based): chr7:128,844,100, G>A. VCF-style: chr7-128844100-G-A. GRCh37 (hg19) VCF-style: chr7-128484154-G-A.
Other names: c.3026G>A, p.Arg1009Gln (NM_001127487.2); short protein forms R1009Q.
Identifiers: ClinVar variation 1305166 (VCV001305166.7), dbSNP rs375445167, ClinGen allele CA166177608.

ClinVar aggregate classification (germline): Uncertain significance. Review status: criteria provided, multiple submitters, no conflicts (2 of 4 stars). 2 submissions from 2 submitters: Uncertain significance (2). Last evaluated 2023-10-09.

Conditions:
Hypertrophic cardiomyopathy 26. Also called: Cardiomyopathy, familial hypertrophic, 26. Identifiers: Orphanet 75249, MedGen C4310749, MONDO:0014883, OMIM 617047.
Myofibrillar myopathy 5. Also called: FILAMINOPATHY, AUTOSOMAL DOMINANT; Filaminopathy (type). Identifiers: Orphanet 171445, MedGen C1836050, MONDO:0012289, OMIM 609524.
Distal myopathy with posterior leg and anterior hand involvement. Also called: WILLIAMS DISTAL MYOPATHY. Identifiers: Orphanet 63273, MedGen C3279722, MONDO:0013550, OMIM 614065.

Allele frequency attached by ClinVar (database versions not stated): gnomAD exomes below 0.00001; TOPMed 0.00002; ESP Exome Variant Server 0.00008.
gnomAD v4.1: 18 of 1,613,938 alleles (0.0011%); highest among the groups gnomAD compares: South Asian, 0.0033%; no homozygotes.

Submissions (2):

Labcorp Genetics (formerly Invitae), Labcorp
Classification: Uncertain significance for Distal myopathy with posterior leg and anterior hand involvement; Myofibrillar myopathy 5; Hypertrophic cardiomyopathy 26. Last evaluated: 2023-10-09. Review status: criteria provided, single submitter. Criteria: Invitae Variant Classification Sherloc (09022015). Collection method: clinical testing. Allele origin: germline.
Comment: This sequence change replaces arginine, which is basic and polar, with glutamine, which is neutral and polar, at codon 1009 of the FLNC protein (p.Arg1009Gln). This variant is present in population databases (rs375445167, gnomAD 0.003%). This variant has not been reported in the literature in individuals affected with FLNC-related conditions. ClinVar contains an entry for this variant (Variation ID: 1305166). Advanced modeling of protein sequence and biophysical properties (such as structural, functional, and spatial information, amino acid conservation, physicochemical variation, residue mobility, and thermodynamic stability) has been performed at Invitae for this missense variant, however the output from this modeling did not meet the statistical confidence thresholds required to predict the impact of this variant on FLNC protein function. Algorithms developed to predict the effect of sequence changes on RNA splicing suggest that this variant may create or strengthen a splice site. In summary, the available evidence is currently insufficient to determine the role of this variant in disease. Therefore, it has been classified as a Variant of Uncertain Significance.

GeneDx
Classification: Uncertain significance. Last evaluated: 2019-08-05. Review status: criteria provided, single submitter. Criteria: GeneDx Variant Classification Process June 2021. Collection method: clinical testing. Allele origin: germline. Affected: yes.
Comment: Has not been previously published as pathogenic or benign to our knowledge; Not observed at a significant frequency in large population cohorts (Lek et al., 2016); In silico analysis, which includes protein predictors and evolutionary conservation, supports that this variant does not alter protein structure/function